The following is an entry in ClinVar:

ClinVar aggregate classification (germline): Likely benign (1 of 4 stars; one submission).

gnomAD v4.1: 22 of 1,209,053 alleles (0.0018%); highest among the groups gnomAD compares: Admixed American, 0.0044%; no homozygotes.

Submission:

CeGaT Center for Human Genetics Tuebingen
Classification: Likely benign. Last evaluated: 2026-06-01. Review status: criteria provided, single submitter. Criteria: CeGaT Center For Human Genetics Tuebingen Variant Classification Criteria Version 2. Collection method: clinical testing. Allele origin: germline. Affected: yes. Observed: 1 variant allele.
Comment: DLG3: BP4, BS2

NM_021120.4(DLG3):c.704-7C>T

Gene: DLG3 (discs large MAGUK scaffold protein 3; plus strand). Cytogenetic location: Xq13.1.
Variant type: single nucleotide variant.
Coding change: c.704-7C>T on transcript NM_021120.4 (MANE Select); 7 bases into the intron before coding-DNA position 704, C replaced by T.
Molecular consequence: intron variant.
Genome position (GRCh38, 1-based): chrX:70,450,162, C>T. VCF-style: chrX-70450162-C-T. GRCh37 (hg19) VCF-style: chrX-69670012-C-T.
Identifiers: ClinVar variation 4873277 (VCV004873277.2).